The following is an entry in ClinVar:

NM_005138.3(SCO2):c.619G>A (p.Val207Met)

Genes: NCAPH2 (non-SMC condensin II complex subunit H2; plus strand), SCO2 (synthesis of cytochrome C oxidase 2; minus strand). Cytogenetic location: 22q13.33.
Variant type: single nucleotide variant.
Coding change: c.619G>A on transcript NM_005138.3 (MANE Select); coding-DNA position 619, G replaced by A.
Protein change: p.Val207Met; replaces valine 207 with methionine.
Molecular consequence: missense variant. On other transcripts: 3 prime UTR variant (2).
Genome position (GRCh38, 1-based): chr22:50,523,793, C>T on the plus strand (G>A on the coding strand, the complement: SCO2 is on the minus strand). VCF-style: chr22-50523793-C-T. GRCh37 (hg19) VCF-style: chr22-50962222-C-T.
Other names: c.*418C>T (NM_001185011.2, NM_152299.4); c.619G>A, p.Val207Met (NM_001169109.2, NM_001169110.1, NM_001169111.2); short protein forms V207M.
Identifiers: ClinVar variation 1345713 (VCV001345713.5), dbSNP rs368719100, ClinGen allele CA10321154.
Genomic context (GRCh38, chr22:50,523,793, plus strand): 5'-CAATGGAGTGGTCCACGATGTAGTCCTGGTCCTCATCCTTGGGGCCTGCATTGTAGTACA[C>T]GCGGTAACTGTGACTAGCCTGGGCAACCTGTTTGGTGGAGCCGGTCAGACCCAACAGTCT-3'
Protein context (NP_005129.2, residues 197-217): QVAQASHSYR[Val207Met]YYNAGPKDED

ClinVar aggregate classification (germline): Uncertain significance (1 of 4 stars; one submission).

Allele frequency attached by ClinVar (database versions not stated): ExAC 0.00002; gnomAD 0.00002; gnomAD exomes 0.00002 and 0.00004; TOPMed 0.00002; ESP Exome Variant Server 0.00008.
gnomAD v4.1: 33 of 1,614,034 alleles (0.002%); highest among the groups gnomAD compares: Middle Eastern, 0.016%; no homozygotes.

Submission:

Labcorp Genetics (formerly Invitae), Labcorp
Classification: Uncertain significance. Last evaluated: 2022-03-19. Review status: criteria provided, single submitter. Criteria: Invitae Variant Classification Sherloc (09022015). Collection method: clinical testing. Allele origin: germline.
Comment: This sequence change replaces valine, which is neutral and non-polar, with methionine, which is neutral and non-polar, at codon 207 of the SCO2 protein (p.Val207Met). This variant is present in population databases (rs368719100, gnomAD 0.02%). This variant has not been reported in the literature in individuals affected with SCO2-related conditions. Algorithms developed to predict the effect of missense changes on protein structure and function are either unavailable or do not agree on the potential impact of this missense change (SIFT: "Deleterious"; PolyPhen-2: "Probably Damaging"; Align-GVGD: "Class C0"). In summary, the available evidence is currently insufficient to determine the role of this variant in disease. Therefore, it has been classified as a Variant of Uncertain Significance.